The following is an entry in ClinVar:

ClinVar aggregate classification (germline): Likely benign. Review status: criteria provided, multiple submitters, no conflicts (2 of 4 stars). 2 submissions from 2 submitters: Likely benign (2). Last evaluated 2018-06-16.

Allele frequency attached by ClinVar (database versions not stated): 1000 Genomes Project 30x 0.00359; 1000 Genomes Project 0.00399; TOPMed 0.01293.
gnomAD v4.1: 27,512 of 1,610,618 alleles (1.7%); highest among the groups gnomAD compares: Non-Finnish European, 2.1%; 258 homozygotes.

Submissions (2):

GeneDx
Classification: Likely benign. Last evaluated: 2018-06-16. Review status: criteria provided, single submitter. Criteria: GeneDx Variant Classification (06012015). Collection method: clinical testing. Allele origin: germline. Affected: yes.
Comment: This variant is considered likely benign or benign based on one or more of the following criteria: it is a conservative change, it occurs at a poorly conserved position in the protein, it is predicted to be benign by multiple in silico algorithms, and/or has population frequency not consistent with disease.

Breakthrough Genomics
Classification: Likely benign. Review status: criteria provided, single submitter. Criteria: ACMG Guidelines, 2015. Collection method: not provided. Allele origin: germline. Inheritance: Autosomal dominant inheritance. Affected: yes.

NM_000020.3(ACVRL1):c.626-59G>T

Gene: ACVRL1 (activin A receptor like type 1; plus strand). Cytogenetic location: 12q13.13.
Variant type: single nucleotide variant.
Coding change: c.626-59G>T on transcript NM_000020.3 (MANE Select); 59 bases into the intron before coding-DNA position 626, G replaced by T.
Molecular consequence: intron variant.
Genome position (GRCh38, 1-based): chr12:51,914,380, G>T. VCF-style: chr12-51914380-G-T. GRCh37 (hg19) VCF-style: chr12-52308164-G-T.
Other names: c.626-59G>T (NM_001077401.2).
Identifiers: ClinVar variation 675883 (VCV000675883.2), dbSNP rs537246355, ClinGen allele CA236363253.
Genomic context (GRCh38, chr12:51,914,380, plus strand): 5'-AGGGTCTGGGGTTCTGTGGGTGGGGTGGGCGAGGGAGGCAGCGCAGCATCAAGATGGGGG[G>T]CTCTTCCAGGGCTCTGTGTGCCCAGTGTGTAACCCTCACCTTCCCCTCTGGCCATCAGGA-3'